The following is an entry in ClinVar:

NM_001854.4(COL11A1):c.373C>G (p.Gln125Glu)

Gene: COL11A1 (collagen type XI alpha 1 chain; minus strand). Cytogenetic location: 1p21.1.
Variant type: single nucleotide variant.
Coding change: c.373C>G on transcript NM_001854.4 (MANE Select); coding-DNA position 373, C replaced by G.
Protein change: p.Gln125Glu; replaces glutamine 125 with glutamic acid.
Molecular consequence: missense variant. On other transcripts: non-coding transcript variant (1).
Genome position (GRCh38, 1-based): chr1:103,078,773, G>C on the plus strand (C>G on the coding strand, the complement: COL11A1 is on the minus strand). VCF-style: chr1-103078773-G-C. GRCh37 (hg19) VCF-style: chr1-103544329-G-C.
Other names: c.373C>G, p.Gln125Glu (NM_001190709.2, NM_080629.3, NM_080630.4); short protein forms Q125E.
Identifiers: ClinVar variation 3633587 (VCV003633587.2).
Genomic context (GRCh38, chr1:103,078,773, plus strand): 5'-TTCCAGTGTGGTCTTCAAACAGAAAAACAGGTGATCTCCCAACCTCAACACCAATTTGCT[G>C]AATACCATGCTCATTATATATAGATAAAAGGAAAGACTGAATTCCTTTTTTTGGTTTTAC-3'
Protein context (NP_001845.3, residues 115-135): LLSIYNEHGI[Gln125Glu]QIGVEVGRSP

ClinVar aggregate classification (germline): Uncertain significance (1 of 4 stars; one submission).

Submission:

Labcorp Genetics (formerly Invitae), Labcorp
Classification: Uncertain significance. Last evaluated: 2024-02-14. Review status: criteria provided, single submitter. Criteria: Invitae Variant Classification Sherloc (09022015). Collection method: clinical testing. Allele origin: germline.
Comment: This sequence change replaces glutamine, which is neutral and polar, with glutamic acid, which is acidic and polar, at codon 125 of the COL11A1 protein (p.Gln125Glu). This variant is not present in population databases (gnomAD no frequency). This variant has not been reported in the literature in individuals affected with COL11A1-related conditions. Advanced modeling of protein sequence and biophysical properties (such as structural, functional, and spatial information, amino acid conservation, physicochemical variation, residue mobility, and thermodynamic stability) performed at Invitae indicates that this missense variant is not expected to disrupt COL11A1 protein function with a negative predictive value of 95%. In summary, the available evidence is currently insufficient to determine the role of this variant in disease. Therefore, it has been classified as a Variant of Uncertain Significance.